The following is an entry in ClinVar:

ClinVar aggregate classification (germline): Conflicting classifications of pathogenicity. Review status: criteria provided, conflicting classifications (1 of 4 stars). 5 submissions from 5 submitters: Uncertain significance (2); Likely benign (2). 1 of the submissions does not count toward it. Last evaluated 2026-01-22.

Conditions:
Primary ciliary dyskinesia. Also called: Ciliary dyskinesia. Identifiers: Orphanet 244, MedGen C0008780, MONDO:0016575, HP:0012265.
DNAH11-related disorder. Also called: DNAH11-related condition.
Primary ciliary dyskinesia 7. Also called: CILIARY DYSKINESIA, PRIMARY, 7, WITH OR WITHOUT SITUS INVERSUS. Identifiers: Orphanet 244, MedGen C2678473, MONDO:0012748, OMIM 611884.

Allele frequency attached by ClinVar (database versions not stated): gnomAD exomes 0.00024; ExAC 0.00025; TOPMed 0.00038; ESP Exome Variant Server 0.00059.
gnomAD v4.1: 884 of 1,607,190 alleles (0.055%); highest among the groups gnomAD compares: Non-Finnish European, 0.073%; 2 homozygotes.

Submissions (5):

Labcorp Genetics (formerly Invitae), Labcorp
Classification: Likely benign for Primary ciliary dyskinesia. Last evaluated: 2026-01-22. Review status: criteria provided, single submitter. Criteria: Invitae Variant Classification Sherloc (09022015). Collection method: clinical testing. Allele origin: germline.

Blueprint Genetics
Classification: Likely benign. Last evaluated: 2024-10-09. Review status: criteria provided, single submitter. Criteria: ACMG Guidelines, 2015. Collection method: clinical testing. Allele origin: germline.

Genetics and Molecular Pathology, SA Pathology
Classification: Uncertain significance for Primary ciliary dyskinesia 7. Last evaluated: 2019-09-03. Review status: criteria provided, single submitter. Criteria: ACMG Guidelines, 2015. Collection method: clinical testing. Allele origin: germline. Inheritance: Autosomal recessive inheritance. Affected: yes.
Comment: Insufficient information to be able to classify

Eurofins Ntd Llc (ga)
Classification: Uncertain significance. Last evaluated: 2013-10-16. Review status: criteria provided, single submitter. Criteria: EGL Classification Definitions 2015. Collection method: clinical testing. Allele origin: germline. Observed: 1 variant allele, 1 heterozygote.

PreventionGenetics, part of Exact Sciences
Classification: Likely benign for DNAH11-related condition. Last evaluated: 2019-04-05. Review status: no assertion criteria provided. Collection method: clinical testing. Allele origin: germline. Not counted in ClinVar's aggregate classification.
Comment: This variant is classified as likely benign based on ACMG/AMP sequence variant interpretation guidelines (Richards et al. 2015 PMID: 25741868, with internal and published modifications).

NM_001277115.2(DNAH11):c.3853-5C>G

Gene: DNAH11 (dynein axonemal heavy chain 11; plus strand). Cytogenetic location: 7p15.3.
Variant type: single nucleotide variant.
Coding change: c.3853-5C>G on transcript NM_001277115.2 (MANE Select); 5 bases into the intron before coding-DNA position 3853, C replaced by G.
Molecular consequence: intron variant.
Genome position (GRCh38, 1-based): chr7:21,615,109, C>G. VCF-style: chr7-21615109-C-G. GRCh37 (hg19) VCF-style: chr7-21654727-C-G.
Identifiers: ClinVar variation 93686 (VCV000093686.24), dbSNP rs367628980, ClinGen allele CA221634.